The following is an entry in ClinVar:

ClinVar aggregate classification (germline): Uncertain significance (1 of 4 stars; one submission).

Conditions:
TBX3-related disorder. Also called: TBX3-related condition.

Submission:

PreventionGenetics, part of Exact Sciences
Classification: Uncertain significance for TBX3-related condition. Last evaluated: 2024-10-14. Review status: criteria provided, single submitter. Criteria: ACMG Guidelines, 2015. Collection method: clinical testing. Allele origin: germline.
Comment: The TBX3 c.1780A>G variant is predicted to result in the amino acid substitution p.Met594Val. To our knowledge, this variant has not been reported in the literature or in a large population database (gnomAD), indicating this variant is rare. At this time, the clinical significance of this variant is uncertain due to the absence of conclusive functional and genetic evidence.

NM_005996.4(TBX3):c.1720A>G (p.Met574Val)

Gene: TBX3 (T-box transcription factor 3; minus strand). Cytogenetic location: 12q24.21.
Variant type: single nucleotide variant.
Coding change: c.1720A>G on transcript NM_005996.4 (MANE Select); coding-DNA position 1720, A replaced by G.
Protein change: p.Met574Val; replaces methionine 574 with valine.
Molecular consequence: missense variant.
Genome position (GRCh38, 1-based): chr12:114,672,293, T>C on the plus strand (A>G on the coding strand, the complement: TBX3 is on the minus strand). VCF-style: chr12-114672293-T-C. GRCh37 (hg19) VCF-style: chr12-115110098-T-C.
Other names: c.1780A>G, p.Met594Val (NM_016569.4); short protein forms M574V, M594V.
Identifiers: ClinVar variation 5000431 (VCV005000431.1).